The following is an entry in ClinVar:

ClinVar aggregate classification (germline): Uncertain significance (1 of 4 stars; one submission).

Conditions:
Inborn genetic diseases. Identifiers: MedGen C0950123, MeSH D030342.

gnomAD v4.1: 13 of 1,602,024 alleles (0.00081%); highest among the groups gnomAD compares: East Asian, 0.029%; no homozygotes.

Submission:

Ambry Genetics
Classification: Uncertain significance for Inborn genetic diseases. Last evaluated: 2024-03-27. Review status: criteria provided, single submitter. Criteria: Ambry Variant Classification Scheme 2023. Collection method: clinical testing. Allele origin: germline.
Comment: The c.350C>T (p.A117V) alteration is located in exon 4 (coding exon 4) of the TSEN54 gene. This alteration results from a C to T substitution at nucleotide position 350, causing the alanine (A) at amino acid position 117 to be replaced by a valine (V). Based on data from gnomAD, the T allele has an overall frequency of 0.002% (5/258400) total alleles studied. The highest observed frequency was 0.027% (5/18750) of East Asian alleles. This amino acid position is highly conserved in available vertebrate species. This alteration is predicted to be deleterious by in silico analysis. Based on insufficient or conflicting evidence, the clinical significance of this alteration remains unclear.

NM_207346.3(TSEN54):c.350C>T (p.Ala117Val)

Gene: TSEN54 (tRNA splicing endonuclease subunit 54; plus strand). Cytogenetic location: 17q25.1.
Variant type: single nucleotide variant.
Coding change: c.350C>T on transcript NM_207346.3 (MANE Select); coding-DNA position 350, C replaced by T.
Protein change: p.Ala117Val; replaces alanine 117 with valine.
Molecular consequence: missense variant.
Genome position (GRCh38, 1-based): chr17:75,517,225, C>T. VCF-style: chr17-75517225-C-T. GRCh37 (hg19) VCF-style: chr17-73513306-C-T.
Other names: short protein forms A117V.
Identifiers: ClinVar variation 3329560 (VCV003329560.1).